The following is an entry in ClinVar:

NM_003136.4(SRP54):c.908T>C (p.Leu303Pro)

Gene: SRP54 (signal recognition particle 54; plus strand). Cytogenetic location: 14q13.2.
Variant type: single nucleotide variant.
Coding change: c.908T>C on transcript NM_003136.4 (MANE Select); coding-DNA position 908, T replaced by C.
Protein change: p.Leu303Pro; replaces leucine 303 with proline.
Molecular consequence: missense variant.
Genome position (GRCh38, 1-based): chr14:35,014,765, T>C. VCF-style: chr14-35014765-T-C. GRCh37 (hg19) VCF-style: chr14-35483971-T-C.
Other names: c.761T>C, p.Leu254Pro (NM_001146282.2); c.908T>C, p.Leu303Pro (NM_001411017.1, NM_001440813.1); short protein forms L254P, L303P.
Identifiers: ClinVar variation 4795287 (VCV004795287.1).
Genomic context (GRCh38, chr14:35,014,765, plus strand): 5'-TAGTATTAGTTGTTAATTTTTCTTTTTTGTATCTTATAGGTATGGGCGACATTGAAGGAC[T>C]GATAGATAAAGTCAACGAGTTGAAGTTGGATGACAATGAAGCACTTATAGAGAAGTTGAA-3'
Protein context (NP_003127.1, residues 293-313): KLLGMGDIEG[Leu303Pro]IDKVNELKLD

ClinVar aggregate classification (germline): Uncertain significance (1 of 4 stars; one submission).

Submission:

GeneDx
Classification: Uncertain significance. Last evaluated: 2025-08-15. Review status: criteria provided, single submitter. Criteria: GeneDx Variant Classification Process June 2021. Collection method: clinical testing. Allele origin: germline. Affected: yes.
Comment: Not observed at significant frequency in large population cohorts (gnomAD); In silico analysis supports that this missense variant has a deleterious effect on protein structure/function; Has not been previously published as pathogenic or benign to our knowledge.